The following is an entry in ClinVar:

ClinVar aggregate classification (germline): Uncertain significance. Review status: criteria provided, multiple submitters, no conflicts (2 of 4 stars). 2 submissions from 2 submitters: Uncertain significance (2). Last evaluated 2023-12-27.

Allele frequency attached by ClinVar (database versions not stated): TOPMed below 0.00001; ExAC 0.00001.
gnomAD v4.1: 3 of 1,587,380 alleles (0.00019%); highest among the groups gnomAD compares: Non-Finnish European, 0.00026%; no homozygotes.

Submissions (2):

Labcorp Genetics (formerly Invitae), Labcorp
Classification: Uncertain significance. Last evaluated: 2023-12-27. Review status: criteria provided, single submitter. Criteria: Invitae Variant Classification Sherloc (09022015). Collection method: clinical testing. Allele origin: germline.
Comment: This sequence change replaces proline, which is neutral and non-polar, with leucine, which is neutral and non-polar, at codon 984 of the SALL2 protein (p.Pro984Leu). This variant is present in population databases (rs766460702, gnomAD 0.001%). This variant has not been reported in the literature in individuals affected with SALL2-related conditions. ClinVar contains an entry for this variant (Variation ID: 1932176). An algorithm developed to predict the effect of missense changes on protein structure and function (PolyPhen-2) suggests that this variant is likely to be disruptive. In summary, the available evidence is currently insufficient to determine the role of this variant in disease. Therefore, it has been classified as a Variant of Uncertain Significance.

Ambry Genetics
Classification: Uncertain significance. Last evaluated: 2023-10-13. Review status: criteria provided, single submitter. Criteria: Ambry Variant Classification Scheme 2023. Collection method: clinical testing. Allele origin: germline.

NM_001364564.1(SALL2):c.2945C>T (p.Pro982Leu)

Gene: SALL2 (spalt like transcription factor 2; minus strand). Cytogenetic location: 14q11.2.
Variant type: single nucleotide variant.
Coding change: c.2945C>T on transcript NM_001364564.1 (MANE Select); coding-DNA position 2945, C replaced by T.
Protein change: p.Pro982Leu; replaces proline 982 with leucine.
Molecular consequence: missense variant. On other transcripts: intron variant (2).
Genome position (GRCh38, 1-based): chr14:21,522,777, G>A on the plus strand (C>T on the coding strand, the complement: SALL2 is on the minus strand). VCF-style: chr14-21522777-G-A. GRCh37 (hg19) VCF-style: chr14-21990911-G-A.
Other names: c.2951C>T, p.Pro984Leu (NM_005407.3); c.2490+56C>T (NM_001291446.2); c.2484+56C>T (NM_001291447.2); c.2951C>T (NM_005407.1); short protein forms P982L, P984L.
Identifiers: ClinVar variation 1932176 (VCV001932176.6), dbSNP rs766460702, ClinGen allele CA7093387.
Genomic context (GRCh38, chr14:21,522,777, plus strand): 5'-GGGTCATCTTTTCGGGGAAAGGGGGAGAGCCCTGTGGAGGTGATGGAAGGCGAACAGCCA[G>A]GGACTAGAGAAAGAGCAGCAATATTCTGAGGGCCATGGGGGGCAAAGGGCTGTACCTGGT-3'
Protein context (NP_001351493.1, residues 972-992): PQNIAALSLV[Pro982Leu]GCSPSITSTG